The following is an entry in ClinVar:

NM_001844.5(COL2A1):c.85+18C>G

Gene: COL2A1 (collagen type II alpha 1 chain; minus strand). Cytogenetic location: 12q13.11.
Variant type: single nucleotide variant.
Coding change: c.85+18C>G on transcript NM_001844.5 (MANE Select); 18 bases into the intron after coding-DNA position 85, C replaced by G.
Molecular consequence: intron variant.
Genome position (GRCh38, 1-based): chr12:48,004,219, G>C on the plus strand (C>G on the coding strand, the complement: COL2A1 is on the minus strand). VCF-style: chr12-48004219-G-C. GRCh37 (hg19) VCF-style: chr12-48398002-G-C.
Other names: p.?; c.85+18C>G (NM_033150.3).
Identifiers: ClinVar variation 93791 (VCV000093791.42), dbSNP rs3803184, ClinGen allele CA147297.
Genomic context (GRCh38, chr12:48,004,219, plus strand): 5'-GCTGGAGCGGGCCGGGGAGAAGGATGCTGAGGGACGCATGGAAAGCAGGCAGGCAGGCAG[G>C]GGCGGGGGAAGACTTACGGACATCCTGGCCCTGACACCGAAGGACAGCGGCGACGAGCAG-3'

ClinVar aggregate classification (germline): Benign. Review status: criteria provided, multiple submitters, no conflicts (2 of 4 stars). 13 submissions from 13 submitters: Benign (9). 4 of the submissions do not count toward it. Last evaluated 2026-05-08.

Allele frequency attached by ClinVar (database versions not stated): 1000 Genomes Project 30x 0.68442; 1000 Genomes Project 0.68590; gnomAD exomes 0.74142; TOPMed 0.74271; gnomAD 0.75547; ExAC 0.77124; ESP Exome Variant Server 0.78424.
gnomAD v4.1: 1,233,217 of 1,525,864 alleles (81%); highest among the groups gnomAD compares: Non-Finnish European, 84%; 502,979 homozygotes.

Submissions (13):

Women's Health and Genetics/Laboratory Corporation of America, LabCorp
Classification: Benign. Last evaluated: 2026-05-08. Review status: criteria provided, single submitter. Criteria: LabCorp Variant Classification Summary - May 2015. Collection method: clinical testing. Allele origin: germline.

Labcorp Genetics (formerly Invitae), Labcorp
Classification: Benign. Last evaluated: 2026-02-04. Review status: criteria provided, single submitter. Criteria: Invitae Variant Classification Sherloc (09022015). Collection method: clinical testing. Allele origin: germline.

ARUP Laboratories, Molecular Genetics and Genomics, ARUP Laboratories
Classification: Benign. Last evaluated: 2025-07-22. Review status: criteria provided, single submitter. Criteria: ARUP Molecular Germline Variant Investigation Process 2024. Collection method: clinical testing. Allele origin: germline.

Blueprint Genetics
Classification: Benign. Last evaluated: 2024-11-27. Review status: criteria provided, single submitter. Criteria: ACMG Guidelines, 2015. Collection method: clinical testing. Allele origin: germline.

Mayo Clinic Laboratories, Mayo Clinic
Classification: Benign. Last evaluated: 2021-04-07. Review status: criteria provided, single submitter. Criteria: ACMG Guidelines, 2015. Collection method: clinical testing. Allele origin: germline. Observed: 2 variant alleles.

GeneDx
Classification: Benign. Last evaluated: 2017-11-03. Review status: criteria provided, single submitter. Criteria: GeneDx Variant Classification (06012015). Collection method: clinical testing. Allele origin: germline. Affected: yes.
Comment: This variant is considered likely benign or benign based on one or more of the following criteria: it is a conservative change, it occurs at a poorly conserved position in the protein, it is predicted to be benign by multiple in silico algorithms, and/or has population frequency not consistent with disease.

Eurofins Ntd Llc (ga)
Classification: Benign. Last evaluated: 2013-07-25. Review status: criteria provided, single submitter. Criteria: EGL Classification Definitions 2015. Collection method: clinical testing. Allele origin: germline. Observed: 9 variant alleles, 9 homozygotes.

Breakthrough Genomics
Classification: Benign. Review status: criteria provided, single submitter. Criteria: ACMG Guidelines, 2015. Collection method: not provided. Allele origin: germline. Inheritance: Autosomal dominant inheritance. Affected: yes.

PreventionGenetics, part of Exact Sciences
Classification: Benign. Review status: criteria provided, single submitter. Criteria: ACMG Guidelines, 2015. Collection method: clinical testing. Allele origin: germline.

Clinical Genetics DNA and cytogenetics Diagnostics Lab, Erasmus MC, Erasmus Medical Center
Classification: Benign. Review status: no assertion criteria provided. Collection method: clinical testing. Allele origin: germline. Affected: yes. Study: VKGL Data-share Consensus. Not counted in ClinVar's aggregate classification.

Diagnostic Laboratory, Department of Genetics, University Medical Center Groningen
Classification: Benign. Review status: no assertion criteria provided. Collection method: clinical testing. Allele origin: germline. Affected: yes. Study: VKGL Data-share Consensus. Not counted in ClinVar's aggregate classification.

Genome Diagnostics Laboratory, Amsterdam University Medical Center
Classification: Benign. Review status: no assertion criteria provided. Collection method: clinical testing. Allele origin: germline. Affected: yes. Study: VKGL Data-share Consensus. Not counted in ClinVar's aggregate classification.

Joint Genome Diagnostic Labs from Nijmegen and Maastricht, Radboudumc and MUMC+
Classification: Benign. Review status: no assertion criteria provided. Collection method: clinical testing. Allele origin: germline. Affected: yes. Study: VKGL Data-share Consensus. Not counted in ClinVar's aggregate classification.